The following is an entry in ClinVar:

ClinVar aggregate classification (germline): Uncertain significance (1 of 4 stars; one submission).

Conditions:
Cardiovascular phenotype. Identifiers: MedGen CN230736.

Submission:

Ambry Genetics
Classification: Uncertain significance for Cardiovascular phenotype. Last evaluated: 2024-05-26. Review status: criteria provided, single submitter. Criteria: Ambry Variant Classification Scheme 2023. Collection method: clinical testing. Allele origin: germline.
Comment: The p.A2086V variant (also known as c.6257C>T), located in coding exon 2 of the ZNF469 gene, results from a C to T substitution at nucleotide position 6257. The alanine at codon 2086 is replaced by valine, an amino acid with similar properties. This amino acid position is conserved. In addition, this alteration is predicted to be tolerated by in silico analysis. Based on the available evidence, the clinical significance of this variant remains unclear.

NM_001367624.2(ZNF469):c.6341C>T (p.Ala2114Val)

Gene: ZNF469 (zinc finger protein 469; plus strand). Cytogenetic location: 16q24.2.
Variant type: single nucleotide variant.
Coding change: c.6341C>T on transcript NM_001367624.2 (MANE Select); coding-DNA position 6341, C replaced by T.
Protein change: p.Ala2114Val; replaces alanine 2114 with valine.
Molecular consequence: missense variant.
Genome position (GRCh38, 1-based): chr16:88,433,811, C>T. VCF-style: chr16-88433811-C-T. GRCh37 (hg19) VCF-style: chr16-88500219-C-T.
Other names: NM_001127464.1:c.6257C>T; short protein forms A2114V.
Identifiers: ClinVar variation 3258272 (VCV003258272.1).